The following is an entry in ClinVar:

NM_022039.4(FBXW4):c.1235+13T>G

Gene: FBXW4 (F-box and WD repeat domain containing 4; minus strand). Cytogenetic location: 10q24.32.
Variant type: single nucleotide variant.
Coding change: c.1235+13T>G on transcript NM_022039.4 (MANE Select); 13 bases into the intron after coding-DNA position 1235, T replaced by G.
Molecular consequence: intron variant.
Genome position (GRCh38, 1-based): chr10:101,667,873, A>C on the plus strand (T>G on the coding strand, the complement: FBXW4 is on the minus strand). VCF-style: chr10-101667873-A-C. GRCh37 (hg19) VCF-style: chr10-103427630-A-C.
Other names: c.509+13T>G (NM_001323541.2).
Identifiers: ClinVar variation 298534 (VCV000298534.9), dbSNP rs193073481, ClinGen allele CA5657314.
Genomic context (GRCh38, chr10:101,667,873, plus strand): 5'-TAGCTCACCTGATCTAGTAAAATAAAAGCATTATTATACAGGACAAAACCACATCCAAAT[A>C]TGTCTCCCTTACCTGAGTAATGGGCTGATAGCAATGGACCAGACTCGGTCTTCAGTCTGG-3'

ClinVar aggregate classification (germline): Likely benign. Review status: criteria provided, multiple submitters, no conflicts (2 of 4 stars). 3 submissions from 3 submitters: Likely benign (3). Last evaluated 2024-05-02.

Conditions:
Split hand-foot malformation 3. Also called: CHROMOSOME 10q24 DUPLICATION SYNDROME; SHSF3; Buttiens Fryns syndrome. Identifiers: Orphanet 1307, MedGen C1838652, MONDO:0009525, OMIM 246560.

Allele frequency attached by ClinVar (database versions not stated): ESP Exome Variant Server 0.00015; TOPMed 0.00022; gnomAD 0.00024; ExAC 0.00030; 1000 Genomes Project 30x 0.00031; gnomAD exomes 0.00031 and 0.00042; 1000 Genomes Project 0.00040.
gnomAD v4.1: 632 of 1,607,630 alleles (0.039%); highest among the groups gnomAD compares: Middle Eastern, 0.23%; 1 homozygote.

Submissions (3):

Labcorp Genetics (formerly Invitae), Labcorp
Classification: Likely benign. Last evaluated: 2024-05-02. Review status: criteria provided, single submitter. Criteria: Invitae Variant Classification Sherloc (09022015). Collection method: clinical testing. Allele origin: germline.

Illumina Laboratory Services, Illumina
Classification: Likely benign for Split hand-foot malformation 3. Last evaluated: 2018-01-12. Review status: criteria provided, single submitter. Criteria: ICSL Variant Classification Criteria 13 December 2019. Collection method: clinical testing. Allele origin: germline.
Comment: This variant was observed in the ICSL laboratory as part of a predisposition screen in an ostensibly healthy population. It had not been previously curated by ICSL or reported in the Human Gene Mutation Database (HGMD: prior to June 1st, 2018), and was therefore a candidate for classification through an automated scoring system. Utilizing variant allele frequency, disease prevalence and penetrance estimates, and inheritance mode, an automated score was calculated to assess if this variant is too frequent to cause the disease. Based on the score and internal cut-off values, a variant classified as likely benign is not then subjected to further curation. The score for this variant resulted in a classification of likely benign for this disease.

Breakthrough Genomics
Classification: Likely benign. Review status: criteria provided, single submitter. Criteria: ACMG Guidelines, 2015. Collection method: not provided. Allele origin: germline. Inheritance: Unknown mechanism. Affected: yes.